The following is an entry in ClinVar:

NM_001572.5(IRF7):c.862G>C (p.Ala288Pro)

Gene: IRF7 (interferon regulatory factor 7; minus strand). Cytogenetic location: 11p15.5.
Variant type: single nucleotide variant.
Coding change: c.862G>C on transcript NM_001572.5 (MANE Select); coding-DNA position 862, G replaced by C.
Protein change: p.Ala288Pro; replaces alanine 288 with proline.
Molecular consequence: missense variant.
Genome position (GRCh38, 1-based): chr11:613,581, C>G on the plus strand (G>C on the coding strand, the complement: IRF7 is on the minus strand). VCF-style: chr11-613581-C-G. GRCh37 (hg19) VCF-style: chr11-613581-C-G.
Other names: c.775G>C, p.Ala259Pro (NM_004029.4); c.901G>C, p.Ala301Pro (NM_004031.4); short protein forms A301P, A288P, A259P.
Identifiers: ClinVar variation 2839024 (VCV002839024.3), dbSNP rs2493904041, ClinGen allele CA378979704.

ClinVar aggregate classification (germline): Uncertain significance (1 of 4 stars; one submission).

Conditions:
Immunodeficiency 39 (IMD39). Identifiers: Orphanet 574918, MedGen C4225358, MONDO:0014597, OMIM 616345.

Submission:

Labcorp Genetics (formerly Invitae), Labcorp
Classification: Uncertain significance for Immunodeficiency 39. Last evaluated: 2023-02-19. Review status: criteria provided, single submitter. Criteria: Invitae Variant Classification Sherloc (09022015). Collection method: clinical testing. Allele origin: germline.
Comment: This variant is not present in population databases (gnomAD no frequency). This variant has not been reported in the literature in individuals affected with IRF7-related conditions. Advanced modeling of protein sequence and biophysical properties (such as structural, functional, and spatial information, amino acid conservation, physicochemical variation, residue mobility, and thermodynamic stability) performed at Invitae indicates that this missense variant is not expected to disrupt IRF7 protein function. In summary, the available evidence is currently insufficient to determine the role of this variant in disease. Therefore, it has been classified as a Variant of Uncertain Significance. This sequence change replaces alanine, which is neutral and non-polar, with proline, which is neutral and non-polar, at codon 301 of the IRF7 protein (p.Ala301Pro).